The following is an entry in ClinVar:

NR_003051.3(RMRP):n.-5delGinsAACGTGTGAAGCTGAGA

Gene: RMRP (RNA component of mitochondrial RNA processing endoribonuclease; minus strand). Cytogenetic location: 9p13.3.
Variant type: Indel.
Genome position: GRCh38 VCF-style: chr9-35658023-C-TCTCAGCTTCACACGTT. GRCh37 (hg19) VCF-style: chr9-35658020-C-TCTCAGCTTCACACGTT.
Identifiers: ClinVar variation 4817189 (VCV004817189.1).

ClinVar aggregate classification (germline): Likely pathogenic (1 of 4 stars; one submission).

Conditions:
Metaphyseal chondrodysplasia, McKusick type (CHH). Also called: Cartilage-hair hypoplasia; Cartilage-Hair Hypoplasia (CHH). Identifiers: Orphanet 175, MedGen C0220748, MONDO:0009595, OMIM 250250.

Submission:

Natera, Inc.
Classification: Likely pathogenic for Cartilage-hair hypoplasia. Last evaluated: 2025-04-29. Review status: criteria provided, single submitter. Criteria: Natera Variant Classification Schema (03/2026). Collection method: clinical testing. Allele origin: germline.
Comment: The n.-5delGinsAACGTGTGAAGCTGAGA variant in RMRP is an insertion affecting the RMRP promoter region between the TATA box and the transcription initiation site. Other duplications and insertions just upstream of the transcription initiation site have been reported in individuals affected with cartilage-hair hypoplasia (PMID: 11207361, 17937437). This variant is rare in the general population with a frequency below the threshold expected for the associated phenotype(s). Given the available evidence, this variant is classified as Likely pathogenic.

Literature cited by the submitters: PubMed 11207361; PubMed 17937437.